The following is an entry in ClinVar:

NM_001048174.2(MUTYH):c.484G>A (p.Ala162Thr)

Gene: MUTYH (mutY DNA glycosylase; minus strand). Cytogenetic location: 1p34.1.
Variant type: single nucleotide variant.
Coding change: c.484G>A on transcript NM_001048174.2 (MANE Select); coding-DNA position 484, G replaced by A.
Protein change: p.Ala162Thr; replaces alanine 162 with threonine.
Molecular consequence: missense variant. On other transcripts: non-coding transcript variant (2).
Genome position (GRCh38, 1-based): chr1:45,332,771, C>T on the plus strand (G>A on the coding strand, the complement: MUTYH is on the minus strand). VCF-style: chr1-45332771-C-T. GRCh37 (hg19) VCF-style: chr1-45798443-C-T.
Other names: c.484G>A, p.Ala162Thr (NM_001048171.2, NM_001048173.2, NM_001293195.2); c.487G>A, p.Ala163Thr (NM_001048172.2); c.568G>A, p.Ala190Thr (NM_001128425.2); c.529G>A, p.Ala177Thr (NM_001293190.2); c.517G>A, p.Ala173Thr (NM_001293191.2); c.208G>A, p.Ala70Thr (NM_001293192.2, NM_001293196.2); c.139G>A, p.Ala47Thr (NM_001350650.2, NM_001350651.2); c.559G>A, p.Ala187Thr (NM_012222.3); short protein forms A190T, A177T, A163T, A173T, A162T, A70T, A187T, A47T.
Identifiers: ClinVar variation 485906 (VCV000485906.18), dbSNP rs764458059, ClinGen allele CA058249.

ClinVar aggregate classification (germline): Uncertain significance. Review status: criteria provided, multiple submitters, no conflicts (2 of 4 stars). 3 submissions from 3 submitters: Uncertain significance (3). Last evaluated 2025-10-16.

Conditions:
Hereditary cancer-predisposing syndrome. Also called: Hereditary neoplastic syndrome; Hereditary Cancer Syndrome; Neoplastic Syndromes, Hereditary; Tumor predisposition. Identifiers: Orphanet 140162, MedGen C0027672, MeSH D009386, MONDO:0015356.
Familial adenomatous polyposis 2. Also called: MYH-associated polyposis; COLORECTAL ADENOMATOUS POLYPOSIS, AUTOSOMAL RECESSIVE; ADENOMAS, MULTIPLE COLORECTAL, AUTOSOMAL RECESSIVE; MUTYH-related attenuated familial adenomatous polyposis; Adenomas, multiple colorectal; FAP type 2. Identifiers: Orphanet 220460, Orphanet 247798, MedGen C3272841, MONDO:0012041, OMIM 608456.

Allele frequency attached by ClinVar (database versions not stated): gnomAD exomes below 0.00001; ExAC 0.00001.
gnomAD v4.1: 1 of 1,614,196 alleles (0.000062%); highest among the groups gnomAD compares: Admixed American, 0.0017%; no homozygotes.

Submissions (3):

Labcorp Genetics (formerly Invitae), Labcorp
Classification: Uncertain significance for Familial adenomatous polyposis 2. Last evaluated: 2025-10-16. Review status: criteria provided, single submitter. Criteria: Invitae Variant Classification Sherloc (09022015). Collection method: clinical testing. Allele origin: germline.
Comment: This sequence change replaces alanine, which is neutral and non-polar, with threonine, which is neutral and polar, at codon 190 of the MUTYH protein (p.Ala190Thr). This variant is present in population databases (rs764458059, gnomAD 0.003%). This variant has not been reported in the literature in individuals affected with MUTYH-related conditions. ClinVar contains an entry for this variant (Variation ID: 485906). An algorithm developed to predict the effect of missense changes on protein structure and function (PolyPhen-2) suggests that this variant is likely to be disruptive. In summary, the available evidence is currently insufficient to determine the role of this variant in disease. Therefore, it has been classified as a Variant of Uncertain Significance.

Color Diagnostics, LLC DBA Color Health
Classification: Uncertain significance for Hereditary cancer-predisposing syndrome. Last evaluated: 2023-12-05. Review status: criteria provided, single submitter. Criteria: ACMG Guidelines, 2015. Collection method: clinical testing. Allele origin: germline.
Comment: This missense variant replaces alanine with threonine at codon 190 of the MUTYH protein. Computational prediction suggests that this variant may have deleterious impact on protein structure and function (internally defined REVEL score threshold >= 0.7, PMID: 27666373). To our knowledge, functional studies have not been reported for this variant. This variant has not been reported in individuals affected with MUTYH-related disorders in the literature. This variant has been identified in 1/251462 chromosomes in the general population by the Genome Aggregation Database (gnomAD). The available evidence is insufficient to determine the role of this variant in disease conclusively. Therefore, this variant is classified as a Variant of Uncertain Significance.

Ambry Genetics
Classification: Uncertain significance for Hereditary cancer-predisposing syndrome. Last evaluated: 2023-11-16. Review status: criteria provided, single submitter. Criteria: Ambry Variant Classification Scheme 2023. Collection method: clinical testing. Allele origin: germline.
Comment: The p.A190T variant (also known as c.568G>A), located in coding exon 7 of the MUTYH gene, results from a G to A substitution at nucleotide position 568. The alanine at codon 190 is replaced by threonine, an amino acid with similar properties. This amino acid position is highly conserved in available vertebrate species. In addition, this alteration is predicted to be deleterious by in silico analysis. Since supporting evidence is limited at this time, the clinical significance of this alteration remains unclear.